The following is an entry in ClinVar:

ClinVar aggregate classification (germline): Conflicting classifications of pathogenicity. Review status: criteria provided, conflicting classifications (1 of 4 stars). 8 submissions from 8 submitters: Pathogenic (2); Likely pathogenic (5); Uncertain significance (1). Last evaluated 2026-01-19.

Conditions:
Fanconi anemia (FA). Also called: Fanconi's anemia. Identifiers: Orphanet 84, MedGen C0015625, MeSH D005199, MONDO:0019391.
Fanconi anemia complementation group A (FANCA). Also called: Fanconi anemia, group A; FANCA-Related Fanconi Anemia. Identifiers: Orphanet 84, MedGen C3469521, MONDO:0009215, OMIM 227650.

Allele frequency attached by ClinVar (database versions not stated): gnomAD 0.00003; ExAC 0.00004; gnomAD exomes 0.00004; TOPMed 0.00005; ESP Exome Variant Server 0.00015; 1000 Genomes Project 0.00020; 1000 Genomes Project 30x 0.00031.
gnomAD v4.1: 111 of 1,614,272 alleles (0.0069%); highest among the groups gnomAD compares: Admixed American, 0.0083%; no homozygotes.

Submissions (9):

Labcorp Genetics (formerly Invitae), Labcorp
Classification: Pathogenic for Fanconi anemia. Last evaluated: 2026-01-19. Review status: criteria provided, single submitter. Criteria: Invitae Variant Classification Sherloc (09022015). Collection method: clinical testing. Allele origin: germline.
Comment: This sequence change replaces arginine, which is basic and polar, with histidine, which is basic and polar, at codon 1400 of the FANCA protein (p.Arg1400His). This variant is present in population databases (rs149851163, gnomAD 0.006%). This missense change has been observed in individuals with clinical features of Fanconi anemia (PMID: 17924555, 29098742; internal data). ClinVar contains an entry for this variant (Variation ID: 408175). Invitae Evidence Modeling of protein sequence and biophysical properties (such as structural, functional, and spatial information, amino acid conservation, physicochemical variation, residue mobility, and thermodynamic stability) has been performed for this missense variant. However, the output from this modeling did not meet the statistical confidence thresholds required to predict the impact of this variant on FANCA protein function. This variant disrupts the p.Arg1400 amino acid residue in FANCA. Other variant(s) that disrupt this residue have been determined to be pathogenic (PMID: 15643609, 21273304, 24584348, 28102861, 28717661, 29098742). This suggests that this residue is clinically significant, and that variants that disrupt this residue are likely to be disease-causing. For these reasons, this variant has been classified as Pathogenic.

Myriad Genetics, Inc.
Classification: Likely pathogenic for Fanconi anemia complementation group A. Last evaluated: 2025-12-10. Review status: criteria provided, single submitter. Criteria: Myriad Autosomal Dominant, Autosomal Recessive and X-Linked Classification Criteria (2023). Collection method: clinical testing. Allele origin: unknown.
Comment: NM_000135.2(FANCA):c.4199G>A(R1400H) is a missense variant classified as likely pathogenic in the context of Fanconi anemia complementation group A. R1400H has been observed in cases with relevant disease (PMID: 17924555, 29098742, Abstract_Zomer_2021, 33172906). Relevant functional assessments of this variant are available in the literature (PMID: 17924555, 33172906). Internal structural analysis of the variant is supportive of pathogenicity. R1400H has been observed in referenced population frequency databases. In summary, NM_000135.2(FANCA):c.4199G>A(R1400H) is a missense variant that has internal structural support for pathogenicity and has been observed more frequently in cases with the relevant disease than in healthy populations. Please note: this variant was assessed in the context of healthy population screening.

Natera, Inc.
Classification: Pathogenic for Fanconi anemia. Last evaluated: 2025-09-23. Review status: criteria provided, single submitter. Criteria: Natera Variant Classification Schema (03/2026). Collection method: clinical testing. Allele origin: germline.
Comment: The c.4199G>A variant in FANCA is a missense variant predicted to cause substitution of arginine to histidine at amino acid 1400. This variant is rare in the general population with a frequency below the threshold expected for the associated phenotype(s). This variant has been observed in one or more individuals affected with the associated recessive disease, as either homozygous or compound heterozygous with a second variant (PMID: 17924555, 29098742, 33172906). Additionally, this variant has been observed to segregate in affected family members (PMID: 33172906). A different variant at the same position has been determined to be Pathogenic or Likely Pathogenic. Computational prediction algorithms indicate this variant is likely to affect gene or protein function. Given the available evidence, this variant is classified as Pathogenic.

Fulgent Genetics
Classification: Likely pathogenic for Fanconi anemia complementation group A. Last evaluated: 2024-06-17. Review status: criteria provided, single submitter. Criteria: ACMG Guidelines, 2015. Collection method: clinical testing. Allele origin: germline.

Baylor Genetics
Classification: Likely pathogenic for Fanconi anemia complementation group A. Last evaluated: 2024-03-24. Review status: criteria provided, single submitter. Criteria: ACMG Guidelines, 2015. Collection method: clinical testing. Allele origin: unknown.

Women's Health and Genetics/Laboratory Corporation of America, LabCorp
Classification: Likely pathogenic for Fanconi anemia. Last evaluated: 2023-12-13. Review status: criteria provided, single submitter. Criteria: LabCorp Variant Classification Summary - May 2015. Collection method: clinical testing. Allele origin: germline.
Comment: Variant summary: FANCA c.4199G>A (p.Arg1400His) results in a non-conservative amino acid change in the encoded protein sequence. Five of five in-silico tools predict a damaging effect of the variant on protein function. The variant allele was found at a frequency of 3.6e-05 in 251486 control chromosomes (gnomAD). Publications have also reported experimental evidence evaluating an impact on protein function. In an early study, expression of the R1400H variant in lymphoblastoid cell lines lacking functional FANCA protein demonstrated similar activity to the wild type, however due to overexpression of the construct, a potential hypomorphic effect couldn't be ruled out (Ameziane_2008). A later, more detailed study demonstrated a reduced protein level, and increased cytoplasmic localization, together with a mild decrease in Fancd2 ubiquitination and foci formation, and increased sensitivity to DNA cross-linking agents, providing evidence for a hypomorphic effect (Lach_2020). The following publications have been ascertained in the context of this evaluation (PMID: 17924555, 29098742, 33172906, 28717661, 33686268, 26580448). Six submitters have cited clinical-significance assessments for this variant to ClinVar after 2014 with conflicting assessments. Three submitters classified the variant as pathogenic/likely pathogenic and three classified it as uncertain significance. Based on the evidence outlined above, the variant was classified as likely pathogenic.

GeneDx
Classification: Likely pathogenic. Last evaluated: 2022-08-10. Review status: criteria provided, single submitter. Criteria: GeneDx Variant Classification Process June 2021. Collection method: clinical testing. Allele origin: germline. Affected: yes.
Comment: Observed with a second FANCA variant in unrelated patients with Fanconi anemia in published literature, but it is not known whether the variants occurred on the same (in cis) or on different (in trans) chromosomes (Ameziane 2008, Kimble 2018); Published functional studies demonstrate decreased FANCA levels and impaired ubiquitination and foci formation upon MMC-induced damage; however, functional complementation assays show that overexpresson of this variant exhibited a level of activity similar to WT, suggesting that this may be a hypomorphic variant (Ameziane 2008, Lach 2020); In silico analysis supports that this missense variant has a deleterious effect on protein structure/function; This variant is associated with the following publications: (PMID: 29098742, 33172906, 17924555, 33822308)

Blueprint Genetics
Classification: Uncertain significance. Last evaluated: 2021-04-29. Review status: criteria provided, single submitter. Criteria: ACMG Guidelines, 2015. Collection method: clinical testing. Allele origin: germline.

International Fanconi Anemia Registry, The Rockefeller University
No classification provided (evidence only). Condition: Fanconi anemia complementation group A. Last evaluated: 2020-08-05. Review status: no classification provided. Collection method: in vitro. Allele origin: not applicable. Inheritance: Autosomal recessive inheritance. Functional consequence: variation affecting protein function. Not counted in ClinVar's aggregate classification.
Comment: The c.4199G>A/p.R1400H variant was previously reported in an individual with Fanconi anemia, but determining pathogenicity was difficult because it was reported that overexpression of the mutant allele resulted in complementation comparable to that obtained with the wild type cDNA (Ameziane et al. 2008). This suggests that overexpression of the mutant protein is able to compensate for protein instability and/or defects in FANCA protein function. We have identified c.4199G>A/p.R1400H variant in another FA family (two affected brothers) in trans with a c.3788_3790delTCT, a known pathogenic variant. Our functional data support the variant as a most likely pathogenic allele. We observe increased mislocalization of mutant protein to the cytoplasm, decreased FANCD2 ubiquitination and foci formation, and cellular sensitivity to crosslinking agents. We have examined the variant by CRISPR/Cas9 mediated genome editing in otherwise wild type fibroblast cell lines and we showed that the R1400H variant in homozygous form had an incomplete loss of function (behaved as a hypomorph), and the cellular phenotype characteristic of Fanconi anemia was further exacerbated when it was present in trans to a loss-of-function allele, indicating a dose effect of a mutant protein.

"Likely pathogenic" was previously submitted as the classification for the variant. However, the classification appeared to be based only on an observation of functional data so it was converted to no classification on 2025-07-30.

Literature cited by the submitters: PubMed 17924555 (cited by 4 submitters); PubMed 29098742 (cited by 3 submitters); PubMed 15643609 (cited by Labcorp Genetics (formerly Invitae), Labcorp); PubMed 21273304 (cited by Labcorp Genetics (formerly Invitae), Labcorp); PubMed 24584348 (cited by Labcorp Genetics (formerly Invitae), Labcorp); PubMed 28102861 (cited by Labcorp Genetics (formerly Invitae), Labcorp); PubMed 28717661 (cited by Labcorp Genetics (formerly Invitae), Labcorp and Women's Health and Genetics/Laboratory Corporation of America, LabCorp); PubMed 33172906 (cited by 3 submitters); PubMed 26580448 (cited by Women's Health and Genetics/Laboratory Corporation of America, LabCorp); PubMed 33686268 (cited by Women's Health and Genetics/Laboratory Corporation of America, LabCorp).

NM_000135.4(FANCA):c.4199G>A (p.Arg1400His)

Genes: FANCA (FA complementation group A; minus strand), ZNF276 (zinc finger protein 276; plus strand). Cytogenetic location: 16q24.3.
Variant type: single nucleotide variant.
Coding change: c.4199G>A on transcript NM_000135.4 (MANE Select); coding-DNA position 4199, G replaced by A.
Protein change: p.Arg1400His; replaces arginine 1400 with histidine.
Molecular consequence: missense variant. On other transcripts: synonymous variant (1), 3 prime UTR variant (2), non-coding transcript variant (4).
Genome position (GRCh38, 1-based): chr16:89,738,943, C>T on the plus strand (G>A on the coding strand, the complement: FANCA is on the minus strand). VCF-style: chr16-89738943-C-T. GRCh37 (hg19) VCF-style: chr16-89805351-C-T.
Other names: c.4203G>A, p.Ser1401= (NM_001286167.3); c.*697C>T (NM_001113525.2, NM_152287.4); c.4199G>A (NM_000135.3); short protein forms R1400H.
Identifiers: ClinVar variation 408175 (VCV000408175.34), dbSNP rs149851163, ClinGen allele CA8250692.
Genomic context (GRCh38, chr16:89,738,943, plus strand): 5'-TCTGCCACGTGTGAGAAGCTCTTTTTCGGGCACCGAGGTATTAACTGCAGCAGAAAAAGA[C>T]GAGCTTTTGTTATCAGTTCCACGGGGTTGCCCTAGAGAGAAAACAGGCAAACTCACAGGT-3'
Protein context (NP_000126.2, residues 1390-1410): GNPVELITKA[Arg1400His]LFLLQLIPRC